The following is an entry in ClinVar:

NM_001365276.2(TNXB):c.3241C>T (p.Arg1081Cys)

Gene: TNXB (tenascin XB; minus strand). Cytogenetic location: 6p21.33.
Variant type: single nucleotide variant.
Coding change: c.3241C>T on transcript NM_001365276.2 (MANE Select); coding-DNA position 3241, C replaced by T.
Protein change: p.Arg1081Cys; replaces arginine 1081 with cysteine.
Molecular consequence: missense variant.
Genome position (GRCh38, 1-based): chr6:32,084,617, G>A on the plus strand (C>T on the coding strand, the complement: TNXB is on the minus strand). VCF-style: chr6-32084617-G-A. GRCh37 (hg19) VCF-style: chr6-32052394-G-A.
Other names: p.Arg1081Cys; c.3241C>T, p.Arg1081Cys (NM_019105.8); short protein forms R1081C.
Identifiers: ClinVar variation 2565709 (VCV002565709.5), dbSNP rs751663471, ClinGen allele CA3735218.
Genomic context (GRCh38, chr6:32,084,617, plus strand): 5'-CGTCCCTGTCTTTGTACTGGATCACGAAGGAGTCAAACTCGCCCTCGGGGACCGTCCAGC[G>A]CAGGAGCAAGGAGTCGGAGGTCCTGTCTGTCACCGTCAGCTCACCCAGGCGTGGTGGGCC-3'
Protein context (NP_001352205.1, residues 1071-1091): TDRTSDSLLL[Arg1081Cys]WTVPEGEFDS

ClinVar aggregate classification (germline): Uncertain significance. Review status: criteria provided, multiple submitters, no conflicts (2 of 4 stars). 2 submissions from 2 submitters: Uncertain significance (2). Last evaluated 2025-12-12.

Conditions:
Cardiovascular phenotype. Identifiers: MedGen CN230736.

Allele frequency attached by ClinVar (database versions not stated): TOPMed 0.00001; ExAC 0.00002; gnomAD 0.00002.
gnomAD v4.1: 29 of 1,604,946 alleles (0.0018%); highest among the groups gnomAD compares: South Asian, 0.0022%; no homozygotes.

Submissions (2):

Mayo Clinic Laboratories, Mayo Clinic
Classification: Uncertain significance. Last evaluated: 2025-12-12. Review status: criteria provided, single submitter. Criteria: ACMG Guidelines, 2015. Collection method: clinical testing. Allele origin: germline. Observed: 2 variant alleles.
Comment: BP4

Ambry Genetics
Classification: Uncertain significance for Cardiovascular phenotype. Last evaluated: 2025-05-24. Review status: criteria provided, single submitter. Criteria: Ambry Variant Classification Scheme 2023. Collection method: clinical testing. Allele origin: germline.
Comment: The p.R1081C variant (also known as c.3241C>T), located in coding exon 7 of the TNXB gene, results from a C to T substitution at nucleotide position 3241. The arginine at codon 1081 is replaced by cysteine, an amino acid with highly dissimilar properties. This amino acid position is poorly conserved in available vertebrate species. In addition, this alteration is predicted to be tolerated by in silico analysis. Since supporting evidence is limited at this time, the clinical significance of this alteration remains unclear.